The following is an entry in ClinVar:

ClinVar aggregate classification (germline): Uncertain significance (1 of 4 stars; one submission).

Conditions:
Immunodeficiency. Identifiers: MedGen C0021051, MONDO:0021094, HP:0002721.

Allele frequency attached by ClinVar (database versions not stated): gnomAD exomes below 0.00001.
gnomAD v4.1: 2 of 1,606,970 alleles (0.00012%); highest among the groups gnomAD compares: South Asian, 0.0011%; no homozygotes.

Submission:

Labcorp Genetics (formerly Invitae), Labcorp
Classification: Uncertain significance for Immunodeficiency. Last evaluated: 2023-06-17. Review status: criteria provided, single submitter. Criteria: Invitae Variant Classification Sherloc (09022015). Collection method: clinical testing. Allele origin: germline.
Comment: This variant has not been reported in the literature in individuals affected with NFAT5-related conditions. In summary, the available evidence is currently insufficient to determine the role of this variant in disease. Therefore, it has been classified as a Variant of Uncertain Significance. An algorithm developed to predict the effect of missense changes on protein structure and function (PolyPhen-2) suggests that this variant is likely to be disruptive. This variant is not present in population databases (gnomAD no frequency). This sequence change replaces lysine, which is basic and polar, with glutamic acid, which is acidic and polar, at codon 497 of the NFAT5 protein (p.Lys497Glu).

NM_138713.4(NFAT5):c.1771A>G (p.Lys591Glu)

Gene: NFAT5 (nuclear factor of activated T cells 5; plus strand). Cytogenetic location: 16q22.1.
Variant type: single nucleotide variant.
Coding change: c.1771A>G on transcript NM_138713.4 (MANE Select); coding-DNA position 1771, A replaced by G.
Protein change: p.Lys591Glu; replaces lysine 591 with glutamic acid.
Molecular consequence: missense variant.
Genome position (GRCh38, 1-based): chr16:69,684,967, A>G. VCF-style: chr16-69684967-A-G. GRCh37 (hg19) VCF-style: chr16-69718870-A-G.
Other names: c.1768A>G, p.Lys590Glu (NM_001113178.3); c.1096A>G, p.Lys366Glu (NM_001367709.1); c.1717A>G, p.Lys573Glu (NM_006599.4); c.1489A>G, p.Lys497Glu (NM_138714.4, NM_173214.3, NM_173215.3); short protein forms K590E, K366E, K497E, K591E, K573E.
Identifiers: ClinVar variation 2707437 (VCV002707437.3), dbSNP rs1178197549, ClinGen allele CA396502440.
Genomic context (GRCh38, chr16:69,684,967, plus strand): 5'-GTAAATGTGAAGAAGGAAATATCTAGTCCAGCAAGACCTTGCTCTTTTGAAGAGGCCATG[A>G]AAGGTACCAAGTAAATTCTTCTCAAAAATCGTAATTGGGTGCTCCTGTATGTTTTCTCTA-3'
Protein context (NP_619727.2, residues 581-601): ARPCSFEEAM[Lys591Glu]AMKTTGCNLD